The following is an entry in ClinVar:

ClinVar aggregate classification (germline): Likely pathogenic (1 of 4 stars; one submission).

Submission:

GeneDx
Classification: Likely pathogenic. Last evaluated: 2019-03-08. Review status: criteria provided, single submitter. Criteria: GeneDx Variant Classification (06012015). Collection method: clinical testing. Allele origin: germline. Affected: yes.
Comment: The c.473delC variant is not observed in large population cohorts (Lek et al., 2016). The c.473delC variant gene causes a frameshift starting with codon Proline 158, changes this amino acid to a Glutamine residue and creates a premature Stop codon at position 7 of the new reading frame, denoted p.Pro158GlnfsX7. This pathogenic variant is predicted to cause loss of normal protein function either through protein truncation or nonsense-mediated mRNA decay. Therefore, this variant is likely pathogenic; however, the possibility that it is benign cannot be excluded.

NM_003070.5(SMARCA2):c.473del (p.Pro158fs)

Gene: SMARCA2 (SWI/SNF related, matrix associated, actin dependent regulator of chromatin, subfamily a, member 2; plus strand). Cytogenetic location: 9p24.3.
Variant type: Deletion.
Coding change: c.473del on transcript NM_003070.5 (MANE Select); coding-DNA position 473, one base deleted (C; older notation c.473delC).
Protein change: p.Pro158fs; shifts the reading frame from proline 158.
Molecular consequence: frameshift variant.
Genome position (GRCh38, 1-based): chr9:2,039,583, C deleted; the last of 3 consecutive C bases (chr9:2,039,581-2,039,583); deleting any one gives the same sequence. VCF-style (leftmost placement, unchanged base first): chr9-2039580-TC-T. GRCh37 (hg19) VCF-style: chr9-2039580-TC-T.
Other names: c.473delC, p.Pro158Glnfs (NM_001289396.2); c.473del, p.Pro158fs (NM_001289397.2, NM_139045.4); short protein forms P158fs.
Identifiers: ClinVar variation 817478 (VCV000817478.1), dbSNP rs1586635371, ClinGen allele CA915947436.